The following is an entry in ClinVar:

ClinVar aggregate classification (germline): Likely benign (1 of 4 stars; one submission).

Submission:

CeGaT Center for Human Genetics Tuebingen
Classification: Likely benign. Last evaluated: 2025-02-01. Review status: criteria provided, single submitter. Criteria: CeGaT Center For Human Genetics Tuebingen Variant Classification Criteria Version 2. Collection method: clinical testing. Allele origin: germline. Affected: yes. Observed: 3 variant alleles.
Comment: ZNF875: PM2:Supporting, BP4, BP7

NM_001353803.2(ZNF875):c.257-2466C>T

Gene: ZNF875 (zinc finger protein 875; plus strand). Cytogenetic location: 19q13.12.
Variant type: single nucleotide variant.
Coding change: c.257-2466C>T on transcript NM_001353803.2 (MANE Select); 2466 bases into the intron before coding-DNA position 257, C replaced by T.
Molecular consequence: intron variant. On other transcripts: synonymous variant (1).
Genome position (GRCh38, 1-based): chr19:37,359,643, C>T. VCF-style: chr19-37359643-C-T. GRCh37 (hg19) VCF-style: chr19-37850545-C-T.
Other names: c.474C>T, p.Ile158= (NM_001353804.2); c.239-2463C>T (NM_001329765.2, NM_001329766.2); c.239-2466C>T (NM_001329767.2); c.197-2463C>T (NM_001329770.2); c.257-2466C>T (NM_001329763.2, NM_001329764.2); c.131-2463C>T (NM_001329771.2, NM_001329772.2, NM_001329773.2); c.131-2466C>T (NM_001329774.2, NM_001329775.2, NM_001329777.2 and 2 more transcripts); c.314-2466C>T (NM_181786.4); and 4 more.
Identifiers: ClinVar variation 2672759 (VCV002672759.23), dbSNP rs772023763, ClinGen allele CA307958540.